The following is an entry in ClinVar:

NM_000090.4(COL3A1):c.499GGA[1] (p.Gly168del)

Gene: COL3A1 (collagen type III alpha 1 chain; plus strand). Cytogenetic location: 2q32.2.
Variant type: Microsatellite.
Coding change: c.499GGA[1] on transcript NM_000090.4 (MANE Select); one copy of the 3-base unit GGA starting at c.499; the reference has two copies in a row; one copy, 3 bases deleted; also written c.502_504del.
Protein change: p.Gly168del; deletes glycine 168.
Molecular consequence: inframe deletion.
Genome position (GRCh38, 1-based): chr2:188,987,113-188,987,115, GGA deleted; deleting any 3 consecutive bases within chr2:188,987,109-188,987,115 gives the same sequence; the position shown is the placement nearest the transcript's 3' end. VCF-style (leftmost placement, unchanged base first): chr2-188987108-TAGG-T. GRCh37 (hg19) VCF-style: chr2-189851834-TAGG-T.
Other names: c.502_504del (NM_000090.4); c.502_504delGGA (NM_000090.4, NM_000090.3); short protein forms G168del.
Identifiers: ClinVar variation 923647 (VCV000923647.13), dbSNP rs1688079577, ClinGen allele CA913203401.

ClinVar aggregate classification (germline): Conflicting classifications of pathogenicity. Review status: criteria provided, conflicting classifications (1 of 4 stars). 5 submissions from 5 submitters: Likely pathogenic (1); Uncertain significance (4). Last evaluated 2026-06-22.

Conditions:
COL3A1-related disorder. Also called: COL3A1-related condition.
Ehlers-Danlos syndrome, type 4 (EDSVASC). Also called: Ehlers-Danlos Syndrome Type IV; Ehlers-Danlos syndrome vascular type; Ehlers Danlos syndrome, ecchymotic type; Ehlers Danlos syndrome, arterial type; Ehlers Danlos syndrome, Sack-Barabas type. Identifiers: Orphanet 286, MedGen C0268338, MONDO:0017314, OMIM 130050.
Familial thoracic aortic aneurysm and aortic dissection (TAAD). Also called: Thoracic aortic aneurysms and dissections. Identifiers: Orphanet 91387, MedGen C4707243, MONDO:0019625.

Submissions (5):

PreventionGenetics, part of Exact Sciences
Classification: Uncertain significance for COL3A1-related condition. Last evaluated: 2026-06-22. Review status: criteria provided, single submitter. Criteria: ACMG Guidelines, 2015. Collection method: clinical testing. Allele origin: germline.
Comment: The COL3A1 c.502_504delGGA variant is predicted to result in an in-frame deletion (p.Gly168del). To our knowledge, this variant has not been reported in the literature or in a large population database (gnomAD), indicating this variant is rare. The majority of documented causative missense variants in COL3A1 substitute a glycine residue to another amino acid in the Gly-X-Y triple helical domain (Pepin et al. 2014. PubMed ID: 24922459). This variant results in deletion of the first glycine residue in the Gly-X-Y triple helical domain, although another glycine residue is located just before this residue. Therefore, the clinical significance of this variant is uncertain due to the absence of conclusive functional and genetic evidence.

Women's Health and Genetics/Laboratory Corporation of America, LabCorp
Classification: Uncertain significance. Last evaluated: 2026-03-16. Review status: criteria provided, single submitter. Criteria: LabCorp Variant Classification Summary - May 2015. Collection method: clinical testing. Allele origin: germline.
Comment: Variant summary: COL3A1 c.502_504delGGA (p.Gly168del) results in an in-frame deletion that is predicted to remove one amino acids from the encoded protein. The variant was absent in 251066 control chromosomes. The available data on variant occurrences in the general population are insufficient to allow any conclusion about variant significance. To our knowledge, no occurrence of c.502_504delGGA in individuals affected with COL3A1-related conditions and no experimental evidence demonstrating its impact on protein function have been reported. ClinVar contains an entry for this variant (Variation ID: 923647). Based on the evidence outlined above, the variant was classified as uncertain significance.

GeneDx
Classification: Likely pathogenic. Last evaluated: 2026-02-18. Review status: criteria provided, single submitter. Criteria: GeneDx Variant Classification Process June 2021. Collection method: clinical testing. Allele origin: germline.
Comment: Has not been previously published as pathogenic or benign to our knowledge; Not observed at significant frequency in large population cohorts (gnomAD); In silico analysis suggests that this variant does not alter protein structure/function; In-frame deletion of 1 amino acid(s) in a non-repeat region; Occurs in the triple helical domain and is predicted to remove one canonical Gly-X-Y repeat unit; an in-frame deletion variant in this region is expected to disrupt normal protein folding and function, and this is an established mechanism of disease (HGMD)

Labcorp Genetics (formerly Invitae), Labcorp
Classification: Uncertain significance for Ehlers-Danlos syndrome, type 4. Last evaluated: 2025-09-15. Review status: criteria provided, single submitter. Criteria: Invitae Variant Classification Sherloc (09022015). Collection method: clinical testing. Allele origin: germline.
Comment: This variant, c.502_504del, results in the deletion of 1 amino acid(s) of the COL3A1 protein (p.Gly168del), but otherwise preserves the integrity of the reading frame. This variant is not present in population databases (gnomAD no frequency). This variant has not been reported in the literature in individuals affected with COL3A1-related conditions. ClinVar contains an entry for this variant (Variation ID: 923647). In summary, the available evidence is currently insufficient to determine the role of this variant in disease. Therefore, it has been classified as a Variant of Uncertain Significance.

Color Diagnostics, LLC DBA Color Health
Classification: Uncertain significance for Familial thoracic aortic aneurysm and aortic dissection. Last evaluated: 2024-05-11. Review status: criteria provided, single submitter. Criteria: ACMG Guidelines, 2015. Collection method: clinical testing. Allele origin: germline.
Comment: This variant causes an in-frame deletion of glycine at codon 168 of the COL3A1 protein. To our knowledge, functional studies have not been reported for this variant. This variant has not been reported in individuals affected with COL3A1-related disorders in the literature. This variant has not been identified in the general population by the Genome Aggregation Database (gnomAD). The available evidence is insufficient to determine the role of this variant in disease conclusively. Therefore, this variant is classified as a Variant of Uncertain Significance.